The following is an entry in ClinVar:

NM_000135.4(FANCA):c.2629T>C (p.Ser877Pro)

Genes: FANCA (FA complementation group A; minus strand), LOC130059837 (ATAC-STARR-seq lymphoblastoid active region 11420; plus strand). Cytogenetic location: 16q24.3.
Variant type: single nucleotide variant.
Coding change: c.2629T>C on transcript NM_000135.4 (MANE Select); coding-DNA position 2629, T replaced by C.
Protein change: p.Ser877Pro; replaces serine 877 with proline.
Molecular consequence: missense variant.
Genome position (GRCh38, 1-based): chr16:89,765,039, A>G on the plus strand (T>C on the coding strand, the complement: FANCA is on the minus strand). VCF-style: chr16-89765039-A-G. GRCh37 (hg19) VCF-style: chr16-89831447-A-G.
Other names: c.2629T>C (NM_000135.2); c.2629T>C, p.Ser877Pro (NM_001286167.3); short protein forms S877P.
Identifiers: ClinVar variation 1518415 (VCV001518415.9), dbSNP rs1322274178, ClinGen allele CA397438867.
Genomic context (GRCh38, chr16:89,765,039, plus strand): 5'-GCAAGGGTCTCCAGGAAAGGCTGGCTACGTCCTCCTCAGAAAGAGGCTGTCGGGCCTCTG[A>G]GAACAATCTGAACATGAGGAACTGAAACTGAAACAGAGAGTGACCCGGCCGTTTCTTCAT-3'
Protein context (NP_000126.2, residues 867-887): KFQFLMFRLF[Ser877Pro]EARQPLSEED

ClinVar aggregate classification (germline): Uncertain significance. Review status: criteria provided, multiple submitters, no conflicts (2 of 4 stars). 2 submissions from 2 submitters: Uncertain significance (2). Last evaluated 2025-05-01.

Conditions:
Inborn genetic diseases. Identifiers: MedGen C0950123, MeSH D030342.
Fanconi anemia (FA). Also called: Fanconi's anemia. Identifiers: Orphanet 84, MedGen C0015625, MeSH D005199, MONDO:0019391.

Allele frequency attached by ClinVar (database versions not stated): TOPMed below 0.00001; gnomAD exomes 0.00001.
gnomAD v4.1: 5 of 1,614,260 alleles (0.00031%); highest among the groups gnomAD compares: Middle Eastern, 0.049%; no homozygotes.

Submissions (2):

Ambry Genetics
Classification: Uncertain significance for Inborn genetic diseases. Last evaluated: 2025-05-01. Review status: criteria provided, single submitter. Criteria: Ambry Variant Classification Scheme 2023. Collection method: clinical testing. Allele origin: germline.
Comment: The p.S877P variant (also known as c.2629T>C), located in coding exon 28 of the FANCA gene, results from a T to C substitution at nucleotide position 2629. The serine at codon 877 is replaced by proline, an amino acid with similar properties. This amino acid position is conserved. In addition, this alteration is predicted to be tolerated by in silico analysis. Based on the available evidence, the clinical significance of this variant remains unclear.

Labcorp Genetics (formerly Invitae), Labcorp
Classification: Uncertain significance for Fanconi anemia. Last evaluated: 2022-10-17. Review status: criteria provided, single submitter. Criteria: Invitae Variant Classification Sherloc (09022015). Collection method: clinical testing. Allele origin: germline.
Comment: This variant is not present in population databases (gnomAD no frequency). This sequence change replaces serine, which is neutral and polar, with proline, which is neutral and non-polar, at codon 877 of the FANCA protein (p.Ser877Pro). This variant has not been reported in the literature in individuals affected with FANCA-related conditions. ClinVar contains an entry for this variant (Variation ID: 1518415). Advanced modeling of protein sequence and biophysical properties (such as structural, functional, and spatial information, amino acid conservation, physicochemical variation, residue mobility, and thermodynamic stability) performed at Invitae indicates that this missense variant is not expected to disrupt FANCA protein function. In summary, the available evidence is currently insufficient to determine the role of this variant in disease. Therefore, it has been classified as a Variant of Uncertain Significance.